The following is an entry in ClinVar:

ClinVar aggregate classification (germline): Uncertain significance. Review status: criteria provided, multiple submitters, no conflicts (2 of 4 stars). 2 submissions from 2 submitters: Uncertain significance (2). Last evaluated 2025-08-05.

Conditions:
Intellectual developmental disorder with speech delay, autism, and dysmorphic facies. Identifiers: MedGen C5231456, MONDO:0032864, OMIM 618672.
Inborn genetic diseases. Identifiers: MedGen C0950123, MeSH D030342.

gnomAD v4.1: 4 of 1,608,588 alleles (0.00025%); highest among the groups gnomAD compares: Non-Finnish European, 0.00025%; no homozygotes.

Submissions (2):

Ambry Genetics
Classification: Uncertain significance for Inborn genetic diseases. Last evaluated: 2025-08-05. Review status: criteria provided, single submitter. Criteria: Ambry Variant Classification Scheme 2023. Collection method: clinical testing. Allele origin: germline.

Neuberg Centre For Genomic Medicine, NCGM
Classification: Uncertain significance for Intellectual developmental disorder with speech delay, autism, and dysmorphic facies. Last evaluated: 2023-06-02. Review status: criteria provided, single submitter. Criteria: ACMG Guidelines, 2015. Collection method: clinical testing. Allele origin: germline. Inheritance: Autosomal dominant inheritance. Affected: yes.
Comment: The missense c.1994G>A (p.Arg665His) variant in the CNOT3 gene has not been reported previously as a pathogenic variant nor as a benign variant, to our knowledge. This variant is absent in the gnomAD Exomes. The amino acid Arginine at position 665 is changed to a Histidine changing protein sequence and it might alter its composition and physico-chemical properties. Multiple lines of computational evidence (Polyphen - Possibly damaging, SIFT – Damaging and MutationTaster - Disease causing) predict a damaging effect on protein structure and function for this variant. The amino acid Arginine in CNOT3 is predicted as conserved by GERP++ and PhyloP across 100 vertebrates. For these reasons, this variant has been classified as Uncertain Significance.

NM_014516.4(CNOT3):c.1994G>A (p.Arg665His)

Gene: CNOT3 (CCR4-NOT transcription complex subunit 3; plus strand). Cytogenetic location: 19q13.42.
Variant type: single nucleotide variant.
Coding change: c.1994G>A on transcript NM_014516.4 (MANE Select); coding-DNA position 1994, G replaced by A.
Protein change: p.Arg665His; replaces arginine 665 with histidine.
Molecular consequence: missense variant.
Genome position (GRCh38, 1-based): chr19:54,152,956, G>A. VCF-style: chr19-54152956-G-A. GRCh37 (hg19) VCF-style: chr19-54656693-G-A.
Other names: c.1994G>A (NM_014516.3); short protein forms R665H.
Identifiers: ClinVar variation 3362278 (VCV003362278.4).